The following is an entry in ClinVar:

ClinVar aggregate classification (germline): Uncertain significance. Review status: criteria provided, multiple submitters, no conflicts (2 of 4 stars). 2 submissions from 2 submitters: Uncertain significance (2). Last evaluated 2023-07-19.

Allele frequency attached by ClinVar (database versions not stated): gnomAD exomes 0.00002; 1000 Genomes Project 0.00020; ESP Exome Variant Server 0.00008; 1000 Genomes Project 30x 0.00016; TOPMed 0.00002; gnomAD 0.00003.
gnomAD v4.1: 26 of 1,611,188 alleles (0.0016%); highest among the groups gnomAD compares: African/African-American, 0.0027%; no homozygotes.

Submissions (2):

GeneDx
Classification: Uncertain significance. Last evaluated: 2023-07-19. Review status: criteria provided, single submitter. Criteria: GeneDx Variant Classification Process June 2021. Collection method: clinical testing. Allele origin: germline. Affected: yes.
Comment: Has not been previously published as pathogenic or benign to our knowledge; In silico analysis supports that this missense variant has a deleterious effect on protein structure/function

Genetic Services Laboratory, University of Chicago
Classification: Uncertain significance. Last evaluated: 2015-09-22. Review status: criteria provided, single submitter. Criteria: ACMG Guidelines, 2015. Collection method: clinical testing. Allele origin: germline. Affected: no.

NM_020066.5(FMN2):c.5072C>T (p.Ala1691Val)

Gene: FMN2 (formin 2; plus strand). Cytogenetic location: 1q43.
Variant type: single nucleotide variant.
Coding change: c.5072C>T on transcript NM_020066.5 (MANE Select); coding-DNA position 5072, C replaced by T.
Protein change: p.Ala1691Val; replaces alanine 1691 with valine.
Molecular consequence: missense variant.
Genome position (GRCh38, 1-based): chr1:240,472,383, C>T. VCF-style: chr1-240472383-C-T. GRCh37 (hg19) VCF-style: chr1-240635683-C-T.
Other names: c.5084C>T, p.Ala1695Val (NM_001305424.2); c.2900C>T, p.Ala967Val (NM_001348094.2); short protein forms A1691V, A1695V, A967V.
Identifiers: ClinVar variation 435236 (VCV000435236.9), dbSNP rs183078344, ClinGen allele CA1477717.